The following is an entry in ClinVar:

ClinVar aggregate classification (germline): Conflicting classifications of pathogenicity. Review status: criteria provided, conflicting classifications (1 of 4 stars). 4 submissions from 4 submitters: Uncertain significance (1); Likely benign (2). 1 of the submissions does not count toward it. Last evaluated 2025-12-08.

Conditions:
Dilated cardiomyopathy 1G (CMD1G). Identifiers: Orphanet 154, MedGen C1858763, MONDO:0011400, OMIM 604145.
Autosomal recessive limb-girdle muscular dystrophy type 2J (LGMDR10). Also called: Limb-girdle muscular dystrophy, type 2J; MUSCULAR DYSTROPHY, LIMB-GIRDLE, AUTOSOMAL RECESSIVE 10. Identifiers: Orphanet 140922, MedGen C1837342, MONDO:0012127, OMIM 608807.
TTN-related disorder. Also called: TTN-related condition; TTN-related disease; TTN-related disorders.
Cardiovascular phenotype. Identifiers: MedGen CN230736.

Allele frequency attached by ClinVar (database versions not stated): gnomAD 0.00009; TOPMed 0.00011.
gnomAD v4.1: 24 of 1,586,030 alleles (0.0015%); highest among the groups gnomAD compares: African/African-American, 0.03%; no homozygotes.

Submissions (4):

Labcorp Genetics (formerly Invitae), Labcorp
Classification: Likely benign for Dilated cardiomyopathy 1G; Autosomal recessive limb-girdle muscular dystrophy type 2J. Last evaluated: 2025-12-08. Review status: criteria provided, single submitter. Criteria: Invitae Variant Classification Sherloc (09022015). Collection method: clinical testing. Allele origin: germline.

Eurofins Ntd Llc (ga)
Classification: Uncertain significance. Last evaluated: 2017-02-03. Review status: criteria provided, single submitter. Criteria: EGL Classification Definitions 2015. Collection method: clinical testing. Allele origin: germline. Observed: 1 variant allele, 1 heterozygote.

Ambry Genetics
Classification: Likely benign for Cardiovascular phenotype. Last evaluated: 2013-04-16. Review status: criteria provided, single submitter. Criteria: Ambry Autosomal Dominant and X-Linked criteria (10/2015). Collection method: clinical testing. Allele origin: germline. Observed: 1 variant allele.

PreventionGenetics, part of Exact Sciences
Classification: Likely benign for TTN-related condition. Last evaluated: 2021-11-13. Review status: no assertion criteria provided. Collection method: clinical testing. Allele origin: germline. Not counted in ClinVar's aggregate classification.
Comment: This variant is classified as likely benign based on ACMG/AMP sequence variant interpretation guidelines (Richards et al. 2015 PMID: 25741868, with internal and published modifications).

NM_001267550.2(TTN):c.16057C>A (p.Arg5353=)

Gene: TTN (titin; minus strand). Cytogenetic location: 2q31.2.
Variant type: single nucleotide variant.
Coding change: c.16057C>A on transcript NM_001267550.2 (MANE Select); coding-DNA position 16057, C replaced by A.
Protein change: p.Arg5353=; no amino-acid change (arginine 5353 retained).
Molecular consequence: synonymous variant. On other transcripts: intron variant (3).
Genome position (GRCh38, 1-based): chr2:178,733,119, G>T on the plus strand (C>A on the coding strand, the complement: TTN is on the minus strand). VCF-style: chr2-178733119-G-T. GRCh37 (hg19) VCF-style: chr2-179597846-G-T.
Other names: c.15106C>A, p.Arg5036= (NM_001256850.1); c.12325C>A, p.Arg4109= (NM_133378.4); c.13282+4963C>A (NM_003319.4); c.13858+4963C>A (NM_133437.4); c.13657+4963C>A (NM_133432.3).
Identifiers: ClinVar variation 263593 (VCV000263593.18), dbSNP rs267599069, ClinGen allele CA2002099.